The following is an entry in ClinVar:

NM_025103.4(IFT74):c.1351T>G (p.Leu451Val)

Gene: IFT74 (intraflagellar transport 74; plus strand). Cytogenetic location: 9p21.2.
Variant type: single nucleotide variant.
Coding change: c.1351T>G on transcript NM_025103.4 (MANE Select); coding-DNA position 1351, T replaced by G.
Protein change: p.Leu451Val; replaces leucine 451 with valine.
Molecular consequence: missense variant.
Genome position (GRCh38, 1-based): chr9:27,055,626, T>G. VCF-style: chr9-27055626-T-G. GRCh37 (hg19) VCF-style: chr9-27055624-T-G.
Other names: c.1351T>G, p.Leu451Val (NM_001099222.3, NM_001099223.3, NM_001349928.2); c.1351T>G (NM_025103.2); short protein forms L451V.
Identifiers: ClinVar variation 3614739 (VCV003614739.4).

ClinVar aggregate classification (germline): Uncertain significance. Review status: criteria provided, multiple submitters, no conflicts (2 of 4 stars). 2 submissions from 2 submitters: Uncertain significance (2). Last evaluated 2025-09-23.

Conditions:
IFT74-related disorder. Also called: IFT74-related condition; IFT74-Related Disorders.

gnomAD v4.1: 13 of 1,577,784 alleles (0.00082%); highest among the groups gnomAD compares: Non-Finnish European, 0.0011%; no homozygotes.

Submissions (3):

PreventionGenetics, part of Exact Sciences
Classification: Uncertain significance for IFT74-related condition. Last evaluated: 2025-09-23. Review status: criteria provided, single submitter. Criteria: ACMG Guidelines, 2015. Collection method: clinical testing. Allele origin: germline.
Comment: The IFT74 c.1351T>G variant is predicted to result in the amino acid substitution p.Leu451Val. To our knowledge, this variant has not been reported in the literature. This variant is reported in 0.0034% of alleles in individuals of European (Non-Finnish) descent in gnomAD. At this time, the clinical significance of this variant is uncertain due to the absence of conclusive functional and genetic evidence.

Labcorp Genetics (formerly Invitae), Labcorp
Classification: Uncertain significance. Last evaluated: 2024-11-04. Review status: criteria provided, single submitter. Criteria: Invitae Variant Classification Sherloc (09022015). Collection method: clinical testing. Allele origin: germline.
Comment: This sequence change replaces leucine, which is neutral and non-polar, with valine, which is neutral and non-polar, at codon 451 of the IFT74 protein (p.Leu451Val). This variant is present in population databases (no rsID available, gnomAD 0.02%). This variant has not been reported in the literature in individuals affected with IFT74-related conditions. An algorithm developed to predict the effect of missense changes on protein structure and function (PolyPhen-2) suggests that this variant is likely to be tolerated. In summary, the available evidence is currently insufficient to determine the role of this variant in disease. Therefore, it has been classified as a Variant of Uncertain Significance.

Dr. Peter K. Rogan Lab, Western University
No classification provided (evidence only). Condition: Ovarian serous cystadenocarcinoma. Review status: no classification provided. Collection method: in vitro. Allele origin: not applicable. Functional consequence: retained intron. Not counted in ClinVar's aggregate classification.